The following is an entry in ClinVar:

ClinVar aggregate classification (germline): Conflicting classifications of pathogenicity. Review status: criteria provided, conflicting classifications (1 of 4 stars). 4 submissions from 4 submitters: Uncertain significance (1); Likely benign (3). Last evaluated 2026-01-24.

Conditions:
Inborn genetic diseases. Identifiers: MedGen C0950123, MeSH D030342.
Vici syndrome (VICIS). Identifiers: Orphanet 1493, MedGen C1855772, MONDO:0009452, OMIM 242840.
EPG5-related disorder. Also called: EPG5-related condition. Identifiers: MedGen CN381528.

Allele frequency attached by ClinVar (database versions not stated): gnomAD exomes 0.00006; ExAC 0.00008; ESP Exome Variant Server 0.00008; TOPMed 0.00017; 1000 Genomes Project 0.00020; gnomAD 0.00021 and 0.00022; 1000 Genomes Project 30x 0.00031.
gnomAD v4.1: 114 of 1,612,696 alleles (0.0071%); highest among the groups gnomAD compares: African/African-American, 0.067%; no homozygotes.

Submissions (4):

Labcorp Genetics (formerly Invitae), Labcorp
Classification: Likely benign for Vici syndrome. Last evaluated: 2026-01-24. Review status: criteria provided, single submitter. Criteria: Invitae Variant Classification Sherloc (09022015). Collection method: clinical testing. Allele origin: germline.

PreventionGenetics, part of Exact Sciences
Classification: Likely benign for EPG5-related condition. Last evaluated: 2025-08-13. Review status: criteria provided, single submitter. Criteria: ACMG Guidelines, 2015. Collection method: clinical testing. Allele origin: germline.
Comment: This variant is classified as likely benign based on ACMG/AMP sequence variant interpretation guidelines (Richards et al. 2015 PMID: 25741868, with internal and published modifications).

Ambry Genetics
Classification: Uncertain significance for Inborn genetic diseases. Last evaluated: 2021-04-29. Review status: criteria provided, single submitter. Criteria: Ambry Variant Classification Scheme 2023. Collection method: clinical testing. Allele origin: germline.
Comment: The c.1944-3C>T intronic alteration consists of a C to T substitution 3 nucleotides before exon 10 of the EPG5 gene. Based on insufficient or conflicting evidence, the clinical significance of this alteration remains unclear.

Blueprint Genetics
Classification: Likely benign. Last evaluated: 2020-09-14. Review status: criteria provided, single submitter. Criteria: ACMG Guidelines, 2015. Collection method: clinical testing. Allele origin: germline.

NM_020964.3(EPG5):c.1944-3C>T

Gene: EPG5 (ectopic P-granules 5 autophagy tethering factor; minus strand). Cytogenetic location: 18q21.1.
Variant type: single nucleotide variant.
Coding change: c.1944-3C>T on transcript NM_020964.3 (MANE Select); 3 bases into the intron before coding-DNA position 1944, C replaced by T.
Molecular consequence: intron variant.
Genome position (GRCh38, 1-based): chr18:45,939,758, G>A on the plus strand (C>T on the coding strand, the complement: EPG5 is on the minus strand). VCF-style: chr18-45939758-G-A. GRCh37 (hg19) VCF-style: chr18-43519724-G-A.
Identifiers: ClinVar variation 754161 (VCV000754161.14), dbSNP rs376498905, ClinGen allele CA8949549.
Genomic context (GRCh38, chr18:45,939,758, plus strand): 5'-GCCTTGGTTATGGCTCACATACTGTGCCCAATGGTCACTTACATAACCAAGAGTCATCCT[G>A]AGCATGAGGAAAGATAATACAGTACTTTTCATTAGCTCAATATCTGCACCTTTATATTAC-3'